The following is an entry in ClinVar:

NM_000540.3(RYR1):c.12561C>T (p.Arg4187=)

Gene: RYR1 (ryanodine receptor 1; plus strand). Cytogenetic location: 19q13.2.
Variant type: single nucleotide variant.
Coding change: c.12561C>T on transcript NM_000540.3 (MANE Select); coding-DNA position 12561, C replaced by T.
Protein change: p.Arg4187=; no amino-acid change (arginine 4187 retained).
Molecular consequence: synonymous variant.
Genome position (GRCh38, 1-based): chr19:38,561,391, C>T. VCF-style: chr19-38561391-C-T. GRCh37 (hg19) VCF-style: chr19-39052031-C-T.
Other names: c.12546C>T, p.Arg4182= (NM_001042723.2).
Identifiers: ClinVar variation 3069508 (VCV003069508.1), dbSNP rs1599626176, ClinGen allele CA507355362.

ClinVar aggregate classification (germline): Likely benign (1 of 4 stars; one submission).

Conditions:
Malignant hyperthermia, susceptibility to, 1 (MHS1). Also called: RYR1-Related Malignant Hyperthermia Susceptibility; Anesthesia related hyperthermia; Malignant hyperpyrexia; Fulminating hyperpyrexia; Pharmacogenic myopathy; Malignant hyperthermia suceptibility 1. Identifiers: Orphanet 423, MedGen C2930980, MONDO:0007783, OMIM 145600.

Submission:

All of Us Research Program, National Institutes of Health
Classification: Likely benign for Malignant hyperthermia, susceptibility to, 1. Last evaluated: 2023-02-24. Review status: criteria provided, single submitter. Criteria: ACMG Guidelines, 2015. Collection method: clinical testing. Allele origin: germline. Inheritance: Autosomal dominant inheritance. Observed: 1 variant allele, 1 heterozygote.
Comment: This study involves interpretation of variants in research participants for the purpose of population health screening. Participant phenotype was not available at the time of variant classification. Additional details can be found in publication PMID: 35346344, PMCID: PMC8962531